The following is an entry in ClinVar:

NM_207352.4(CYP4V2):c.651C>T (p.Ser217=)

Gene: CYP4V2 (cytochrome P450 family 4 subfamily V member 2; plus strand). Cytogenetic location: 4q35.1.
Variant type: single nucleotide variant.
Coding change: c.651C>T on transcript NM_207352.4 (MANE Select); coding-DNA position 651, C replaced by T.
Protein change: p.Ser217=; no amino-acid change (serine 217 retained).
Molecular consequence: synonymous variant.
Genome position (GRCh38, 1-based): chr4:186,197,579, C>T. VCF-style: chr4-186197579-C-T. GRCh37 (hg19) VCF-style: chr4-187118733-C-T.
Identifiers: ClinVar variation 1909436 (VCV001909436.7), dbSNP rs1183911113, ClinGen allele CA442639169.

ClinVar aggregate classification (germline): Conflicting classifications of pathogenicity. Review status: criteria provided, conflicting classifications (1 of 4 stars). 3 submissions from 3 submitters: Uncertain significance (2); Likely benign (1). Last evaluated 2023-10-01.

Conditions:
Retinal dystrophy. Also called: Inherited retinal dystrophy. Identifiers: Orphanet 71862, MedGen C0854723, MeSH D058499, MONDO:0019118, HP:0000556.

Allele frequency attached by ClinVar (database versions not stated): gnomAD exomes 0.00001.
gnomAD v4.1: 14 of 1,613,932 alleles (0.00087%); highest among the groups gnomAD compares: East Asian, 0.022%; no homozygotes.

Submissions (3):

Dept Of Ophthalmology, Nagoya University
Classification: Uncertain significance for Retinal dystrophy. Last evaluated: 2023-10-01. Review status: criteria provided, single submitter. Criteria: Submitter's publication. Collection method: research. Allele origin: germline. Affected: yes.

Labcorp Genetics (formerly Invitae), Labcorp
Classification: Uncertain significance. Last evaluated: 2022-07-24. Review status: criteria provided, single submitter. Criteria: Invitae Variant Classification Sherloc (09022015). Collection method: clinical testing. Allele origin: germline.
Comment: In summary, the available evidence is currently insufficient to determine the role of this variant in disease. Therefore, it has been classified as a Variant of Uncertain Significance. Algorithms developed to predict the effect of sequence changes on RNA splicing suggest that this variant may disrupt the consensus splice site. This variant has not been reported in the literature in individuals affected with CYP4V2-related conditions. This variant is present in population databases (no rsID available, gnomAD 0.006%). This sequence change affects codon 217 of the CYP4V2 mRNA. It is a 'silent' change, meaning that it does not change the encoded amino acid sequence of the CYP4V2 protein.

Blueprint Genetics
Classification: Likely benign. Last evaluated: 2022-06-30. Review status: criteria provided, single submitter. Criteria: ACMG Guidelines, 2015. Collection method: clinical testing. Allele origin: germline.